The following is an entry in ClinVar:

ClinVar aggregate classification (germline): Uncertain significance (1 of 4 stars; one submission).

Conditions:
Fanconi anemia (FA). Also called: Fanconi's anemia. Identifiers: Orphanet 84, MedGen C0015625, MeSH D005199, MONDO:0019391.

Allele frequency attached by ClinVar (database versions not stated): gnomAD exomes below 0.00001; ExAC 0.00001; gnomAD 0.00001.

Submission:

Labcorp Genetics (formerly Invitae), Labcorp
Classification: Uncertain significance for Fanconi anemia. Last evaluated: 2023-11-13. Review status: criteria provided, single submitter. Criteria: Invitae Variant Classification Sherloc (09022015). Collection method: clinical testing. Allele origin: germline.
Comment: This sequence change replaces glycine, which is neutral and non-polar, with aspartic acid, which is acidic and polar, at codon 645 of the FANCM protein (p.Gly645Asp). This variant is present in population databases (rs773411084, gnomAD 0.004%). This variant has not been reported in the literature in individuals affected with FANCM-related conditions. Algorithms developed to predict the effect of missense changes on protein structure and function output the following: SIFT: "Not Available"; PolyPhen-2: "Benign"; Align-GVGD: "Not Available". The aspartic acid amino acid residue is found in multiple mammalian species, which suggests that this missense change does not adversely affect protein function. In summary, the available evidence is currently insufficient to determine the role of this variant in disease. Therefore, it has been classified as a Variant of Uncertain Significance.

NM_020937.4(FANCM):c.1934G>A (p.Gly645Asp)

Gene: FANCM (FA complementation group M; plus strand). Cytogenetic location: 14q21.2.
Variant type: single nucleotide variant.
Coding change: c.1934G>A on transcript NM_020937.4 (MANE Select); coding-DNA position 1934, G replaced by A.
Protein change: p.Gly645Asp; replaces glycine 645 with aspartic acid.
Molecular consequence: missense variant.
Genome position (GRCh38, 1-based): chr14:45,167,095, G>A. VCF-style: chr14-45167095-G-A. GRCh37 (hg19) VCF-style: chr14-45636298-G-A.
Other names: c.1856G>A, p.Gly619Asp (NM_001308133.2); c.1934G>A, p.Gly645Asp (NM_001308134.2); short protein forms G645D, G619D.
Identifiers: ClinVar variation 2850538 (VCV002850538.3), dbSNP rs773411084, ClinGen allele CA7169186.
Genomic context (GRCh38, chr14:45,167,095, plus strand): 5'-GTCCACGAATGGTTCCTGATGGAATCAACCCAAAATTACACAAAATGTTCATCACACATG[G>A]TGTCTATGAACCAGAGAAGCCTTCTCGGAACTTGCAGCGAAAGTCATCTATCTTTTCCTA-3'
Protein context (NP_065988.1, residues 635-655): PKLHKMFITH[Gly645Asp]VYEPEKPSRN